The following is an entry in ClinVar:

ClinVar aggregate classification (germline): Uncertain significance (1 of 4 stars; one submission).

Conditions:
Vici syndrome (VICIS). Identifiers: Orphanet 1493, MedGen C1855772, MONDO:0009452, OMIM 242840.

Submission:

Labcorp Genetics (formerly Invitae), Labcorp
Classification: Uncertain significance for Vici syndrome. Last evaluated: 2022-05-11. Review status: criteria provided, single submitter. Criteria: Invitae Variant Classification Sherloc (09022015). Collection method: clinical testing. Allele origin: germline.
Comment: This sequence change replaces phenylalanine, which is neutral and non-polar, with leucine, which is neutral and non-polar, at codon 1900 of the EPG5 protein (p.Phe1900Leu). This variant is not present in population databases (gnomAD no frequency). This variant has not been reported in the literature in individuals affected with EPG5-related conditions. Algorithms developed to predict the effect of missense changes on protein structure and function are either unavailable or do not agree on the potential impact of this missense change (SIFT: "Tolerated"; PolyPhen-2: "Probably Damaging"; Align-GVGD: "Class C0"). In summary, the available evidence is currently insufficient to determine the role of this variant in disease. Therefore, it has been classified as a Variant of Uncertain Significance.

NM_020964.3(EPG5):c.5700T>G (p.Phe1900Leu)

Gene: EPG5 (ectopic P-granules 5 autophagy tethering factor; minus strand). Cytogenetic location: 18q12.3.
Variant type: single nucleotide variant.
Coding change: c.5700T>G on transcript NM_020964.3 (MANE Select); coding-DNA position 5700, T replaced by G.
Protein change: p.Phe1900Leu; replaces phenylalanine 1900 with leucine.
Molecular consequence: missense variant.
Genome position (GRCh38, 1-based): chr18:45,879,182, A>C on the plus strand (T>G on the coding strand, the complement: EPG5 is on the minus strand). VCF-style: chr18-45879182-A-C. GRCh37 (hg19) VCF-style: chr18-43459147-A-C.
Other names: c.5700T>G, p.Phe1900Leu (NM_001410858.1, NM_001410859.1); short protein forms F1900L.
Identifiers: ClinVar variation 2420051 (VCV002420051.3), dbSNP rs34545102, ClinGen allele CA402343047.
Genomic context (GRCh38, chr18:45,879,182, plus strand): 5'-CCATTTTGAGAATAAACCAAAGCTTTTAAAGTCCATCTTGGATAACCGAAGCTTATAAAA[A>C]AAGTCTGAAAGCCACTGTATAGTCTCCATTACCTGGAAGAGACAACTAGTCAAAAAATGC-3'
Protein context (NP_066015.2, residues 1890-1910): VMETIQWLSD[Phe1900Leu]FYKLRLSKMD